The following is an entry in ClinVar:

ClinVar aggregate classification (germline): Likely benign (0 of 4 stars; one submission).

Conditions:
FBXO31-related disorder. Also called: FBXO31-related condition.

Allele frequency attached by ClinVar (database versions not stated): ExAC 0.00005.
gnomAD v4.1: 69 of 1,614,028 alleles (0.0043%); highest among the groups gnomAD compares: East Asian, 0.051%; no homozygotes.

Submission:

PreventionGenetics, part of Exact Sciences
Classification: Likely benign for FBXO31-related condition. Last evaluated: 2019-02-28. Review status: no assertion criteria provided. Collection method: clinical testing. Allele origin: germline.
Comment: This variant is classified as likely benign based on ACMG/AMP sequence variant interpretation guidelines (Richards et al. 2015 PMID: 25741868, with internal and published modifications).

NM_024735.5(FBXO31):c.495C>T (p.Asp165=)

Gene: FBXO31 (F-box protein 31; minus strand). Cytogenetic location: 16q24.2.
Variant type: single nucleotide variant.
Coding change: c.495C>T on transcript NM_024735.5 (MANE Select); coding-DNA position 495, C replaced by T.
Protein change: p.Asp165=; no amino-acid change (aspartic acid 165 retained).
Molecular consequence: synonymous variant. On other transcripts: 5 prime UTR variant (1).
Genome position (GRCh38, 1-based): chr16:87,343,760, G>A on the plus strand (C>T on the coding strand, the complement: FBXO31 is on the minus strand). VCF-style: chr16-87343760-G-A. GRCh37 (hg19) VCF-style: chr16-87377366-G-A.
Other names: c.-22C>T (NM_001282683.2).
Identifiers: ClinVar variation 3045547 (VCV003045547.2), dbSNP rs752940051, ClinGen allele CA8219194.
Genomic context (GRCh38, chr16:87,343,760, plus strand): 5'-AGGGTCATCGACGTGGGGGTCATGGGGAGGCAGGTACATCCACCCGATGATGAACAGGCC[G>A]TCCACCTACAGGAGGAGATGGGCAAAGGTCCATGAGTGGCTCCCGGGCCAGAGCAAGGGC-3'
Protein context (NP_079011.3, residues 155-175): PYGGLLNVVV[Asp165=]GLFIIGWMYL